The following is an entry in ClinVar:

NM_024675.4(PALB2):c.170G>A (p.Cys57Tyr)

Gene: PALB2 (partner and localizer of BRCA2; minus strand). Cytogenetic location: 16p12.2.
Variant type: single nucleotide variant.
Coding change: c.170G>A on transcript NM_024675.4 (MANE Select); coding-DNA position 170, G replaced by A.
Protein change: p.Cys57Tyr; replaces cysteine 57 with tyrosine.
Molecular consequence: missense variant.
Genome position (GRCh38, 1-based): chr16:23,637,891, C>T on the plus strand (G>A on the coding strand, the complement: PALB2 is on the minus strand). VCF-style: chr16-23637891-C-T. GRCh37 (hg19) VCF-style: chr16-23649212-C-T.
Other names: short protein forms C57Y.
Identifiers: ClinVar variation 241532 (VCV000241532.16), dbSNP rs876660029, ClinGen allele CA10583386.

ClinVar aggregate classification (germline): Uncertain significance. Review status: criteria provided, multiple submitters, no conflicts (2 of 4 stars). 3 submissions from 3 submitters: Uncertain significance (3). Last evaluated 2024-12-07.

Conditions:
Hereditary cancer-predisposing syndrome. Also called: Tumor predisposition; Neoplastic Syndromes, Hereditary; Hereditary Cancer Syndrome; Hereditary neoplastic syndrome. Identifiers: Orphanet 140162, MedGen C0027672, MeSH D009386, MONDO:0015356.
Familial cancer of breast. Also called: Hereditary breast cancer; BREAST CANCER, FAMILIAL; hereditary breast carcinoma. Identifiers: Orphanet 227535, MedGen C0346153, MONDO:0016419, OMIM 114480. Disease mechanism: loss of function.

Submissions (3):

Labcorp Genetics (formerly Invitae), Labcorp
Classification: Uncertain significance for Familial cancer of breast. Last evaluated: 2024-12-07. Review status: criteria provided, single submitter. Criteria: Invitae Variant Classification Sherloc (09022015). Collection method: clinical testing. Allele origin: germline.
Comment: This sequence change replaces cysteine, which is neutral and slightly polar, with tyrosine, which is neutral and polar, at codon 57 of the PALB2 protein (p.Cys57Tyr). This variant is not present in population databases (gnomAD no frequency). This variant has not been reported in the literature in individuals affected with PALB2-related conditions. ClinVar contains an entry for this variant (Variation ID: 241532). An algorithm developed to predict the effect of missense changes on protein structure and function outputs the following: PolyPhen-2: "Benign". The tyrosine amino acid residue is found in multiple mammalian species, which suggests that this missense change does not adversely affect protein function. In summary, the available evidence is currently insufficient to determine the role of this variant in disease. Therefore, it has been classified as a Variant of Uncertain Significance.

Color Diagnostics, LLC DBA Color Health
Classification: Uncertain significance for Hereditary cancer-predisposing syndrome. Last evaluated: 2024-03-07. Review status: criteria provided, single submitter. Criteria: ACMG Guidelines, 2015. Collection method: clinical testing. Allele origin: germline.
Comment: This missense variant replaces cysteine with tyrosine at codon 57 of the PALB2 protein. Computational prediction tool suggests that this variant may not impact protein structure and function (internally defined REVEL score threshold <=0.5, PMID: 27666373). Splice site prediction tools suggest that this variant may not impact RNA splicing. To our knowledge, functional studies have not been performed for this variant. This variant has not been reported in individuals affected with hereditary cancer in the literature. This variant has not been identified in the general population by the Genome Aggregation Database (gnomAD). The available evidence is insufficient to determine the role of this variant in disease conclusively. Therefore, this variant is classified as a Variant of Uncertain Significance.

Ambry Genetics
Classification: Uncertain significance for Hereditary cancer-predisposing syndrome. Last evaluated: 2021-08-12. Review status: criteria provided, single submitter. Criteria: Ambry Variant Classification Scheme 2023. Collection method: clinical testing. Allele origin: germline.
Comment: The p.C57Y variant (also known as c.170G>A), located in coding exon 3 of the PALB2 gene, results from a G to A substitution at nucleotide position 170. The cysteine at codon 57 is replaced by tyrosine, an amino acid with highly dissimilar properties. This amino acid position is conserved. In addition, this alteration is predicted to be tolerated by in silico analysis. Since supporting evidence is limited at this time, the clinical significance of this alteration remains unclear.